The following is an entry in ClinVar:

NM_001171613.2(PREPL):c.40C>T (p.Gln14Ter)

Gene: PREPL (prolyl endopeptidase like; minus strand). Cytogenetic location: 2p21.
Variant type: single nucleotide variant.
Coding change: c.40C>T on transcript NM_001171613.2 (MANE Select); coding-DNA position 40, C replaced by T.
Protein change: p.Gln14Ter; replaces glutamine 14 with a stop codon.
Molecular consequence: nonsense.
Genome position (GRCh38, 1-based): chr2:44,346,303, G>A on the plus strand (C>T on the coding strand, the complement: PREPL is on the minus strand). VCF-style: chr2-44346303-G-A. GRCh37 (hg19) VCF-style: chr2-44573442-G-A.
Other names: c.307C>T, p.Gln103Ter (NM_006036.4, NM_001042385.2, NM_001042386.2 and 4 more transcripts); c.40C>T, p.Gln14Ter (NM_001171617.1, NM_001374277.1); short protein forms Q103*, Q14*.
Identifiers: ClinVar variation 478315 (VCV000478315.51), dbSNP rs200761047, ClinGen allele CA1641666.

ClinVar aggregate classification (germline): Pathogenic/Likely pathogenic. Review status: criteria provided, multiple submitters, no conflicts (2 of 4 stars). 7 submissions from 7 submitters: Pathogenic (3); Likely pathogenic (3). 1 of the submissions does not count toward it. Last evaluated 2026-02-01.

Conditions:
Myasthenic syndrome, congenital, 22 (CMS22). Also called: PREPL DEFICIENCY. Identifiers: MedGen C4479088, MONDO:0044299, OMIM 616224.
PREPL-related disorder. Also called: PREPL-related condition.

Allele frequency attached by ClinVar (database versions not stated): TOPMed 0.00003; gnomAD 0.00005; gnomAD exomes 0.00012; ExAC 0.00022.
gnomAD v4.1: 187 of 1,612,360 alleles (0.012%); highest among the groups gnomAD compares: Non-Finnish European, 0.015%; no homozygotes.

Submissions (7):

Labcorp Genetics (formerly Invitae), Labcorp
Classification: Pathogenic for Myasthenic syndrome, congenital, 22. Last evaluated: 2026-02-01. Review status: criteria provided, single submitter. Criteria: Invitae Variant Classification Sherloc (09022015). Collection method: clinical testing. Allele origin: germline.
Comment: This sequence change creates a premature translational stop signal (p.Gln103*) in the PREPL gene. It is expected to result in an absent or disrupted protein product. Loss-of-function variants in PREPL are known to be pathogenic (PMID: 24610330, 28726805, 29913539). This variant is present in population databases (rs200761047, gnomAD 0.02%). This variant has not been reported in the literature in individuals affected with PREPL-related conditions. ClinVar contains an entry for this variant (Variation ID: 478315). For these reasons, this variant has been classified as Pathogenic.

Fulgent Genetics
Classification: Likely pathogenic for Myasthenic syndrome, congenital, 22. Last evaluated: 2024-06-17. Review status: criteria provided, single submitter. Criteria: ACMG Guidelines, 2015. Collection method: clinical testing. Allele origin: germline.

Blueprint Genetics
Classification: Likely pathogenic for PREPL-related disorders. Last evaluated: 2024-04-09. Review status: criteria provided, single submitter. Criteria: ACMG Guidelines, 2015. Collection method: clinical testing. Allele origin: germline. Affected: yes. Observed: 4 variant alleles.

Women's Health and Genetics/Laboratory Corporation of America, LabCorp
Classification: Pathogenic for Myasthenic syndrome, congenital, 22. Last evaluated: 2023-08-23. Review status: criteria provided, single submitter. Criteria: LabCorp Variant Classification Summary - May 2015. Collection method: clinical testing. Allele origin: germline.
Comment: Variant summary: PREPL c.307C>T (p.Gln103X) results in a premature termination codon, predicted to cause a truncation of the encoded protein or absence of the protein due to nonsense mediated decay, which are commonly known mechanisms for disease. The variant allele was found at a frequency of 0.00012 in 250882 control chromosomes. To our knowledge, no occurrence of c.307C>T in individuals affected with Myasthenic Syndrome, Congenital, 22 and no experimental evidence demonstrating its impact on protein function have been reported. Two submitters have cited clinical-significance assessments for this variant to ClinVar after 2014. All submitters classified the variant as pathogenic. Based on the evidence outlined above, the variant was classified as pathogenic.

PreventionGenetics, part of Exact Sciences
Classification: Likely pathogenic for PREPL-related condition. Last evaluated: 2023-05-18. Review status: criteria provided, single submitter. Criteria: ACMG Guidelines, 2015. Collection method: clinical testing. Allele origin: germline.
Comment: The PREPL c.307C>T variant is predicted to result in premature protein termination (p.Gln103*). To our knowledge, this variant has not been reported in the literature. This variant is reported in 0.023% of alleles in individuals of European (Non-Finnish) descent in gnomAD. Nonsense variants in PREPL are expected to be pathogenic. This variant is interpreted as likely pathogenic.

CeGaT Center for Human Genetics Tuebingen
Classification: Pathogenic. Last evaluated: 2020-03-01. Review status: criteria provided, single submitter. Criteria: CeGaT Center For Human Genetics Tuebingen Variant Classification Criteria Version 2. Collection method: clinical testing. Allele origin: germline. Affected: yes. Observed: 1 variant allele.

Clinical Genetics Laboratory, University Hospital Schleswig-Holstein
Classification: Pathogenic for Myasthenic syndrome, congenital, 22. Last evaluated: 2024-07-02. Review status: no assertion criteria provided. Collection method: clinical testing. Allele origin: germline. Affected: yes. Not counted in ClinVar's aggregate classification.

Literature cited by the submitters: PubMed 24610330 (cited by Labcorp Genetics (formerly Invitae), Labcorp); PubMed 28726805 (cited by Labcorp Genetics (formerly Invitae), Labcorp); PubMed 29913539 (cited by Labcorp Genetics (formerly Invitae), Labcorp).